The following is an entry in ClinVar:

ClinVar aggregate classification (germline): Uncertain significance (1 of 4 stars; one submission).

Conditions:
Cardiovascular phenotype. Identifiers: MedGen CN230736.

Allele frequency attached by ClinVar (database versions not stated): gnomAD exomes 0.00001.
gnomAD v4.1: 17 of 1,567,128 alleles (0.0011%); highest among the groups gnomAD compares: South Asian, 0.019%; no homozygotes.

Submission:

Ambry Genetics
Classification: Uncertain significance for Cardiovascular phenotype. Last evaluated: 2022-11-04. Review status: criteria provided, single submitter. Criteria: Ambry Variant Classification Scheme 2023. Collection method: clinical testing. Allele origin: germline.
Comment: The p.R66H variant (also known as c.197G>A), located in coding exon 1 of the PCSK9 gene, results from a G to A substitution at nucleotide position 197. The arginine at codon 66 is replaced by histidine, an amino acid with highly similar properties. This amino acid position is conserved. In addition, this alteration is predicted to be tolerated by in silico analysis. Since supporting evidence is limited at this time, the clinical significance of this alteration remains unclear.

NM_174936.4(PCSK9):c.197G>A (p.Arg66His)

Gene: PCSK9 (proprotein convertase subtilisin/kexin type 9; plus strand). Cytogenetic location: 1p32.3.
Variant type: single nucleotide variant.
Coding change: c.197G>A on transcript NM_174936.4 (MANE Select); coding-DNA position 197, G replaced by A.
Protein change: p.Arg66His; replaces arginine 66 with histidine.
Molecular consequence: missense variant. On other transcripts: 5 prime UTR variant (1), non-coding transcript variant (8).
Genome position (GRCh38, 1-based): chr1:55,040,034, G>A. VCF-style: chr1-55040034-G-A. GRCh37 (hg19) VCF-style: chr1-55505707-G-A.
Other names: c.197G>A, p.Arg66His (NM_001407240.1, NM_001407241.1, NM_001407242.1 and 4 more transcripts); c.-538G>A (NM_001407246.1); short protein forms R66H.
Identifiers: ClinVar variation 2454163 (VCV002454163.2), dbSNP rs1299375629, ClinGen allele CA340483238.